The following is an entry in ClinVar:

ClinVar aggregate classification (germline): Uncertain significance (1 of 4 stars; one submission).

Conditions:
Inborn genetic diseases. Identifiers: MedGen C0950123, MeSH D030342.

Submission:

Ambry Genetics
Classification: Uncertain significance for Inborn genetic diseases. Last evaluated: 2025-10-23. Review status: criteria provided, single submitter. Criteria: Ambry Variant Classification Scheme 2023. Collection method: clinical testing. Allele origin: germline.
Comment: The p.D377V variant (also known as c.1130A>T), located in coding exon 9 of the BUB1B gene, results from an A to T substitution at nucleotide position 1130. The aspartic acid at codon 377 is replaced by valine, an amino acid with highly dissimilar properties. This amino acid position is conserved. In addition, the in silico prediction for this alteration is inconclusive. Since supporting evidence is limited at this time, the clinical significance of this alteration remains unclear.

NM_001211.6(BUB1B):c.1130A>T (p.Asp377Val)

Gene: BUB1B (BUB1 mitotic checkpoint serine/threonine kinase B; plus strand). Cytogenetic location: 15q15.1.
Variant type: single nucleotide variant.
Coding change: c.1130A>T on transcript NM_001211.6 (MANE Select); coding-DNA position 1130, A replaced by T.
Protein change: p.Asp377Val; replaces aspartic acid 377 with valine.
Molecular consequence: missense variant.
Genome position (GRCh38, 1-based): chr15:40,196,616, A>T. VCF-style: chr15-40196616-A-T. GRCh37 (hg19) VCF-style: chr15-40488817-A-T.
Other names: short protein forms D377V.
Identifiers: ClinVar variation 2565452 (VCV002565452.3), dbSNP rs2542550388, ClinGen allele CA391687122.